The following is an entry in ClinVar:

ClinVar aggregate classification (germline): Pathogenic (1 of 4 stars; one submission).

Conditions:
Joubert syndrome 21 (JBTS21). Identifiers: MedGen C3810212, MONDO:0014288, OMIM 615636.

Submission:

Labcorp Genetics (formerly Invitae), Labcorp
Classification: Pathogenic for Joubert syndrome 21. Last evaluated: 2023-05-16. Review status: criteria provided, single submitter. Criteria: Invitae Variant Classification Sherloc (09022015). Collection method: clinical testing. Allele origin: germline.
Comment: For these reasons, this variant has been classified as Pathogenic. Algorithms developed to predict the effect of sequence changes on RNA splicing suggest that this variant may disrupt the consensus splice site. This variant has not been reported in the literature in individuals affected with CSPP1-related conditions. This variant is not present in population databases (gnomAD no frequency). This sequence change creates a premature translational stop signal (p.Gln731*) in the CSPP1 gene. It is expected to result in an absent or disrupted protein product. Loss-of-function variants in CSPP1 are known to be pathogenic (PMID: 24360807, 24360808).

Literature cited by the submitters: PubMed 24360807; PubMed 24360808.

NM_001382391.1(CSPP1):c.2206C>T (p.Gln736Ter)

Gene: CSPP1 (centrosome and spindle pole associated protein 1; plus strand). Cytogenetic location: 8q13.2.
Variant type: single nucleotide variant.
Coding change: c.2206C>T on transcript NM_001382391.1 (MANE Select); coding-DNA position 2206, C replaced by T.
Protein change: p.Gln736Ter; replaces glutamine 736 with a stop codon.
Molecular consequence: nonsense.
Genome position (GRCh38, 1-based): chr8:67,154,101, C>T. VCF-style: chr8-67154101-C-T. GRCh37 (hg19) VCF-style: chr8-68066336-C-T.
Other names: c.1156C>T, p.Gln386Ter (NM_001291339.2); c.2125C>T, p.Gln709Ter (NM_001363131.2); c.2011C>T, p.Gln671Ter (NM_001363132.2); c.1930C>T, p.Gln644Ter (NM_001363133.2); c.2272C>T, p.Gln758Ter (NM_001364869.1); c.2092C>T, p.Gln698Ter (NM_001364870.1); c.2191C>T, p.Gln731Ter (NM_024790.7); short protein forms Q386*, Q709*, Q731*, Q736*, Q644*, Q671*, Q758*, Q698*.
Identifiers: ClinVar variation 2862327 (VCV002862327.3), dbSNP rs2129559063, ClinGen allele CA371187975.